The following is an entry in ClinVar:

NM_001365999.1(SZT2):c.1663C>T (p.His555Tyr)

Gene: SZT2 (SZT2 subunit of KICSTOR complex; plus strand). Cytogenetic location: 1p34.2.
Variant type: single nucleotide variant.
Coding change: c.1663C>T on transcript NM_001365999.1 (MANE Select); coding-DNA position 1663, C replaced by T.
Protein change: p.His555Tyr; replaces histidine 555 with tyrosine.
Molecular consequence: missense variant.
Genome position (GRCh38, 1-based): chr1:43,422,119, C>T. VCF-style: chr1-43422119-C-T. GRCh37 (hg19) VCF-style: chr1-43887790-C-T.
Other names: c.1663C>T, p.His555Tyr (NM_015284.4); short protein forms H555Y.
Identifiers: ClinVar variation 1433474 (VCV001433474.6), dbSNP rs2153932435, ClinGen allele CA340009438.
Genomic context (GRCh38, chr1:43,422,119, plus strand): 5'-TAGTGCTGTCCTTCCTGTCCTCAGGTGCTCTCCCTCCAGCCCAGTGGTTCTGACTCATCC[C>T]ATGCCCAGTTTGCTGCCTACTGGAAGCCAGTGCTGTCCATGGATGCAAATTCCTGGCAGC-3'
Protein context (NP_001352928.1, residues 545-565): SLQPSGSDSS[His555Tyr]AQFAAYWKPV

ClinVar aggregate classification (germline): Uncertain significance (1 of 4 stars; one submission).

Submission:

Labcorp Genetics (formerly Invitae), Labcorp
Classification: Uncertain significance. Last evaluated: 2021-08-16. Review status: criteria provided, single submitter. Criteria: Invitae Variant Classification Sherloc (09022015). Collection method: clinical testing. Allele origin: germline.
Comment: In summary, the available evidence is currently insufficient to determine the role of this variant in disease. Therefore, it has been classified as a Variant of Uncertain Significance. Algorithms developed to predict the effect of missense changes on protein structure and function (SIFT, PolyPhen-2, Align-GVGD) all suggest that this variant is likely to be tolerated. This sequence change replaces histidine with tyrosine at codon 555 of the SZT2 protein (p.His555Tyr). The histidine residue is weakly conserved and there is a moderate physicochemical difference between histidine and tyrosine. This variant is not present in population databases (ExAC no frequency). This variant has not been reported in the literature in individuals affected with SZT2-related conditions.